The following is an entry in ClinVar:

NM_001303052.2(MYT1L):c.2010_2025dup (p.Asp676delinsIleProGlnArgIleTer)

Gene: MYT1L (myelin transcription factor 1 like; minus strand). Cytogenetic location: 2p25.3.
Variant type: Duplication.
Coding change: c.2010_2025dup on transcript NM_001303052.2 (MANE Select); coding-DNA positions 2010 to 2025, 16 bases duplicated (ATCCCCCAAAGGATAT).
Protein change: p.Asp676delinsIleProGlnArgIleTer.
Molecular consequence: nonsense.
Genome position (GRCh38, 1-based): chr2:1,903,087-1,903,102, ATATCCTTTGGGGGAT duplicated on the plus strand (ATCCCCCAAAGGATAT on the coding strand, the reverse complement: MYT1L is on the minus strand); duplicating any 16 consecutive bases within chr2:1,903,087-1,903,108 gives the same sequence; the c. name uses the placement nearest the transcript's 3' end. VCF-style (leftmost placement, unchanged base first): chr2-1903086-C-CATATCCTTTGGGGGAT. GRCh37 (hg19) VCF-style: chr2-1906858-C-CATATCCTTTGGGGGAT.
Other names: c.2004_2019dup, p.Asp674delinsIleProGlnArgIleTer (NM_001329852.3, NM_015025.4, NM_001329846.3 and 3 more transcripts); c.2004_2019dupATCCCCCAAAGGATAT (NM_015025.4); c.2010_2025dup, p.Asp676delinsIleProGlnArgIleTer (NM_001329844.2, NM_001329845.1, NM_001329851.3).
Identifiers: ClinVar variation 2501295 (VCV002501295.1), dbSNP rs2550813912, ClinGen allele CA2580611588.
Genomic context (GRCh38, chr2:1,903,086, plus strand): 5'-ACAACATCATCAATGGCAACGTGTCTCTCATGTATAAGAGTGTGCACCTCCTACCATCAT[C>CATATCCTTTGGGGGAT]ATATCCTTTGGGGGATATATCCCTGGTTTGCACCTTGGGAGCTATGGCTCGCTTGCCATA-3'

ClinVar aggregate classification (germline): Likely pathogenic (1 of 4 stars; one submission).

Conditions:
Intellectual developmental disorder, autosomal dominant 39. Also called: Mental retardation, autosomal dominant 39; Intellectual disability, autosomal dominant 39. Identifiers: MedGen C4225296, MONDO:0014678, OMIM 616521.

Submission:

Lifecell International Pvt. Ltd
Classification: Likely pathogenic for Intellectual developmental disorder, autosomal dominant 39. Review status: criteria provided, single submitter. Criteria: ACMG Guidelines, 2015. Collection method: clinical testing. Allele origin: germline. Inheritance: Autosomal dominant inheritance. Affected: yes. Observed: 1 heterozygote.
Comment: A Heterozygous Frameshift variant c.2004_2019dupATCCCCCAAAGGATAT in Exon 14 of the MYT1L gene that results in the amino acid substitution p.Asp674fs*6 was identified. The observed variant is novel in gnomAD exomes and genomes. The severity of the impact of this variant on the protein is high, based on the effect of the protein and REVEL score. Rare Exome Variant Ensemble Learner (REVEL) is an ensembl method for predicting the pathogenicity of missense variants based on a combination of scores from 13 individual tools: MutPred, FATHMM v2.3, VEST 3.0, PolyPhen-2, SIFT, PROVEAN, MutationAssessor, MutationTaster, LRT, GERP++, SiPhy, phyloP, and phastCons. The REVEL score for an individual missense variant can range from 0 to 1, with higher scores reflecting greater likelihood that the variant is disease-causing. For these reasons, this variant has been classified as Likely Pathogenic.